The following is an entry in ClinVar:

ClinVar aggregate classification (germline): Pathogenic (1 of 4 stars; one submission).

Submission:

Labcorp Genetics (formerly Invitae), Labcorp
Classification: Pathogenic. Last evaluated: 2023-04-19. Review status: criteria provided, single submitter. Criteria: Invitae Variant Classification Sherloc (09022015). Collection method: clinical testing. Allele origin: germline.
Comment: This sequence change creates a premature translational stop signal (p.Gln339*) in the SPTB gene. It is expected to result in an absent or disrupted protein product. Loss-of-function variants in SPTB are known to be pathogenic (PMID: 1391962, 1498324, 8844207, 26830532, 27292444). This variant is not present in population databases (gnomAD no frequency). This variant has not been reported in the literature in individuals affected with SPTB-related conditions. For these reasons, this variant has been classified as Pathogenic.

Literature cited by the submitters: PubMed 1391962; PubMed 1498324; PubMed 8844207; PubMed 26830532; PubMed 27292444.

NM_001355436.2(SPTB):c.1015C>T (p.Gln339Ter)

Gene: SPTB (spectrin beta, erythrocytic; minus strand). Cytogenetic location: 14q23.3.
Variant type: single nucleotide variant.
Coding change: c.1015C>T on transcript NM_001355436.2 (MANE Select); coding-DNA position 1015, C replaced by T.
Protein change: p.Gln339Ter; replaces glutamine 339 with a stop codon.
Molecular consequence: nonsense.
Genome position (GRCh38, 1-based): chr14:64,799,796, G>A on the plus strand (C>T on the coding strand, the complement: SPTB is on the minus strand). VCF-style: chr14-64799796-G-A. GRCh37 (hg19) VCF-style: chr14-65266514-G-A.
Other names: c.1015C>T, p.Gln339Ter (NM_001024858.4, NM_001355437.2); short protein forms Q339*.
Identifiers: ClinVar variation 2847111 (VCV002847111.3), dbSNP rs2503198171, ClinGen allele CA390029128.